The following is an entry in ClinVar:

NM_001792.5(CDH2):c.2486C>T (p.Pro829Leu)

Genes: CDH2 (cadherin 2; minus strand), CDH2-AS1 (CDH2 antisense RNA 1; plus strand). Cytogenetic location: 18q12.1.
Variant type: single nucleotide variant.
Coding change: c.2486C>T on transcript NM_001792.5 (MANE Select); coding-DNA position 2486, C replaced by T.
Protein change: p.Pro829Leu; replaces proline 829 with leucine.
Molecular consequence: missense variant.
Genome position (GRCh38, 1-based): chr18:27,963,385, G>A on the plus strand (C>T on the coding strand, the complement: CDH2 is on the minus strand). VCF-style: chr18-27963385-G-A. GRCh37 (hg19) VCF-style: chr18-25543349-G-A.
Other names: c.2393C>T, p.Pro798Leu (NM_001308176.2); short protein forms P798L, P829L.
Identifiers: ClinVar variation 1791989 (VCV001791989.4), dbSNP rs1302337851, ClinGen allele CA402103849.

ClinVar aggregate classification (germline): Uncertain significance. Review status: criteria provided, multiple submitters, no conflicts (2 of 4 stars). 2 submissions from 2 submitters: Uncertain significance (2). Last evaluated 2025-05-11.

Conditions:
Inborn genetic diseases. Identifiers: MedGen C0950123, MeSH D030342.

Allele frequency attached by ClinVar (database versions not stated): gnomAD exomes below 0.00001.
gnomAD v4.1: 1 of 1,614,084 alleles (0.000062%); no homozygotes.

Submissions (2):

Labcorp Genetics (formerly Invitae), Labcorp
Classification: Uncertain significance. Last evaluated: 2025-05-11. Review status: criteria provided, single submitter. Criteria: Invitae Variant Classification Sherloc (09022015). Collection method: clinical testing. Allele origin: germline.
Comment: This sequence change replaces proline, which is neutral and non-polar, with leucine, which is neutral and non-polar, at codon 829 of the CDH2 protein (p.Pro829Leu). This variant is not present in population databases (gnomAD no frequency). This variant has not been reported in the literature in individuals affected with CDH2-related conditions. ClinVar contains an entry for this variant (Variation ID: 1791989). An algorithm developed to predict the effect of missense changes on protein structure and function (PolyPhen-2) suggests that this variant is likely to be disruptive. In summary, the available evidence is currently insufficient to determine the role of this variant in disease. Therefore, it has been classified as a Variant of Uncertain Significance.

Ambry Genetics
Classification: Uncertain significance for Inborn genetic diseases. Last evaluated: 2025-04-12. Review status: criteria provided, single submitter. Criteria: Ambry Variant Classification Scheme 2023. Collection method: clinical testing. Allele origin: germline.
Comment: The p.P829L variant (also known as c.2486C>T), located in coding exon 15 of the CDH2 gene, results from a C to T substitution at nucleotide position 2486. The proline at codon 829 is replaced by leucine, an amino acid with similar properties. This amino acid position is conserved. In addition, this alteration is predicted to be deleterious by in silico analysis. Since supporting evidence is limited at this time, the clinical significance of this alteration remains unclear.